The following is an entry in ClinVar:

ClinVar aggregate classification (germline): Uncertain significance (1 of 4 stars; one submission).

Allele frequency attached by ClinVar (database versions not stated): TOPMed below 0.00001.

Submission:

Labcorp Genetics (formerly Invitae), Labcorp
Classification: Uncertain significance. Last evaluated: 2024-05-29. Review status: criteria provided, single submitter. Criteria: Invitae Variant Classification Sherloc (09022015). Collection method: clinical testing. Allele origin: germline.
Comment: This sequence change replaces aspartic acid, which is acidic and polar, with glycine, which is neutral and non-polar, at codon 57 of the GRXCR1 protein (p.Asp57Gly). This variant is present in population databases (no rsID available, gnomAD 0.003%). This variant has not been reported in the literature in individuals affected with GRXCR1-related conditions. ClinVar contains an entry for this variant (Variation ID: 1973503). Advanced modeling of protein sequence and biophysical properties (such as structural, functional, and spatial information, amino acid conservation, physicochemical variation, residue mobility, and thermodynamic stability) performed at Invitae indicates that this missense variant is not expected to disrupt GRXCR1 protein function with a negative predictive value of 80%. In summary, the available evidence is currently insufficient to determine the role of this variant in disease. Therefore, it has been classified as a Variant of Uncertain Significance.

NM_001080476.3(GRXCR1):c.170A>G (p.Asp57Gly)

Gene: GRXCR1 (glutaredoxin and cysteine rich domain containing 1; plus strand). Cytogenetic location: 4p13.
Variant type: single nucleotide variant.
Coding change: c.170A>G on transcript NM_001080476.3 (MANE Select); coding-DNA position 170, A replaced by G.
Protein change: p.Asp57Gly; replaces aspartic acid 57 with glycine.
Molecular consequence: missense variant.
Genome position (GRCh38, 1-based): chr4:42,893,436, A>G. VCF-style: chr4-42893436-A-G. GRCh37 (hg19) VCF-style: chr4-42895453-A-G.
Other names: short protein forms D57G.
Identifiers: ClinVar variation 1973503 (VCV001973503.5), dbSNP rs774677364, ClinGen allele CA356791218.
Genomic context (GRCh38, chr4:42,893,436, plus strand): 5'-AACCGTCAGGCTCTCTGGATTCTGAATGTGCCAGTATCTGTGGGATAGATGGACTAGGTG[A>G]TTCCGATGGACAGCAGAATGGCCACATAGAGTCAGAAGGTGATGAGAATGAGAATGACCA-3'
Protein context (NP_001073945.1, residues 47-67): ASICGIDGLG[Asp57Gly]SDGQQNGHIE